The following is an entry in ClinVar:

ClinVar aggregate classification (germline): Uncertain significance (1 of 4 stars; one submission).

Allele frequency attached by ClinVar (database versions not stated): TOPMed 0.00003; 1000 Genomes Project 30x 0.00016; 1000 Genomes Project 0.00020.
gnomAD v4.1: 21 of 1,614,002 alleles (0.0013%); highest among the groups gnomAD compares: East Asian, 0.025%; 1 homozygote.

Submission:

Women's Health and Genetics/Laboratory Corporation of America, LabCorp
Classification: Uncertain significance. Last evaluated: 2022-08-31. Review status: criteria provided, single submitter. Criteria: LabCorp Variant Classification Summary - May 2015. Collection method: clinical testing. Allele origin: germline.
Comment: Variant summary: SLC26A4 c.487G>C (p.Val163Leu) results in a conservative amino acid change located in the SLC26A/SulP transporter domain (IPR011547) of the encoded protein sequence. Five of five in-silico tools predict a benign effect of the variant on protein function. The variant allele was found at a frequency of 8e-06 in 251474 control chromosomes (gnomAD). The available data on variant occurrences in the general population are insufficient to allow any conclusion about variant significance. c.487G>C has been reported in the literature in individuals affected with non-syndromic Hearing Loss (Yao_2013, Wu_2019, Liu_2022). These reports do not provide unequivocal conclusions about association of the variant with Pendred Syndrome. To our knowledge, no experimental evidence demonstrating an impact on protein function has been reported. No clinical diagnostic laboratories have submitted clinical-significance assessments for this variant to ClinVar after 2014. Based on the evidence outlined above, the variant was classified as uncertain significance.

Literature cited by the submitters: PubMed 30762455; PubMed 35114279; PubMed 23638949.

NM_000441.2(SLC26A4):c.487G>C (p.Val163Leu)

Gene: SLC26A4 (solute carrier family 26 member 4; plus strand). Cytogenetic location: 7q22.3.
Variant type: single nucleotide variant.
Coding change: c.487G>C on transcript NM_000441.2 (MANE Select); coding-DNA position 487, G replaced by C.
Protein change: p.Val163Leu; replaces valine 163 with leucine.
Molecular consequence: missense variant.
Genome position (GRCh38, 1-based): chr7:107,674,235, G>C. VCF-style: chr7-107674235-G-C. GRCh37 (hg19) VCF-style: chr7-107314680-G-C.
Other names: short protein forms V163L.
Identifiers: ClinVar variation 1705250 (VCV001705250.1), dbSNP rs200229408, ClinGen allele CA4432493.